The following is an entry in ClinVar:

NM_001563.4(IMPG1):c.1618G>A (p.Val540Ile)

Gene: IMPG1 (interphotoreceptor matrix proteoglycan 1; minus strand). Cytogenetic location: 6q14.1.
Variant type: single nucleotide variant.
Coding change: c.1618G>A on transcript NM_001563.4 (MANE Select); coding-DNA position 1618, G replaced by A.
Protein change: p.Val540Ile; replaces valine 540 with isoleucine.
Molecular consequence: missense variant.
Genome position (GRCh38, 1-based): chr6:75,950,768, C>T on the plus strand (G>A on the coding strand, the complement: IMPG1 is on the minus strand). VCF-style: chr6-75950768-C-T. GRCh37 (hg19) VCF-style: chr6-76660485-C-T.
Other names: c.1384G>A, p.Val462Ile (NM_001282368.2); short protein forms V462I, V540I.
Identifiers: ClinVar variation 1475905 (VCV001475905.8), dbSNP rs2149457544, ClinGen allele CA364777389.
Genomic context (GRCh38, chr6:75,950,768, plus strand): 5'-TGATATACTGTAAAGCTGAGACAGGAGTGGTATCCTCCAAGAAATGATCTGGGACAGAAA[C>T]ATATTCGCTGAGCTCTGGTACCTCAGATGGGGCAGGAGTGTCAGACAGATCCATTTCATC-3'
Protein context (NP_001554.2, residues 530-550): PSEVPELSEY[Val540Ile]SVPDHFLEDT

ClinVar aggregate classification (germline): Uncertain significance (1 of 4 stars; one submission).

gnomAD v4.1: 1 of 1,613,942 alleles (0.000062%); no homozygotes.

Submission:

Labcorp Genetics (formerly Invitae), Labcorp
Classification: Uncertain significance. Last evaluated: 2022-08-16. Review status: criteria provided, single submitter. Criteria: Invitae Variant Classification Sherloc (09022015). Collection method: clinical testing. Allele origin: germline.
Comment: In summary, the available evidence is currently insufficient to determine the role of this variant in disease. Therefore, it has been classified as a Variant of Uncertain Significance. Algorithms developed to predict the effect of missense changes on protein structure and function (SIFT, PolyPhen-2, Align-GVGD) all suggest that this variant is likely to be tolerated. ClinVar contains an entry for this variant (Variation ID: 1475905). This variant has not been reported in the literature in individuals affected with IMPG1-related conditions. This variant is not present in population databases (gnomAD no frequency). This sequence change replaces valine, which is neutral and non-polar, with isoleucine, which is neutral and non-polar, at codon 540 of the IMPG1 protein (p.Val540Ile).